The following is an entry in ClinVar:

NM_001205293.3(CACNA1E):c.1090C>T (p.Arg364Ter)

Gene: CACNA1E (calcium voltage-gated channel subunit alpha1 E; plus strand). Cytogenetic location: 1q25.3.
Variant type: single nucleotide variant.
Coding change: c.1090C>T on transcript NM_001205293.3 (MANE Select); coding-DNA position 1090, C replaced by T.
Protein change: p.Arg364Ter; replaces arginine 364 with a stop codon.
Molecular consequence: nonsense.
Genome position (GRCh38, 1-based): chr1:181,710,988, C>T. VCF-style: chr1-181710988-C-T. GRCh37 (hg19) VCF-style: chr1-181680124-C-T.
Other names: c.1090C>T, p.Arg364Ter (NM_000721.4, NM_001205294.2); short protein forms R364*.
Identifiers: ClinVar variation 2505203 (VCV002505203.1), dbSNP rs1653295871, ClinGen allele CA343622935.

ClinVar aggregate classification (germline): Likely pathogenic (1 of 4 stars; one submission).

Conditions:
Developmental and epileptic encephalopathy, 69. Also called: EPILEPTIC ENCEPHALOPATHY, EARLY INFANTILE, 69. Identifiers: MedGen C4748988, MONDO:0032657, OMIM 618285.

Submission:

Greenwood Genetic Center Diagnostic Laboratories, Greenwood Genetic Center
Classification: Likely pathogenic for Developmental and epileptic encephalopathy, 69. Last evaluated: 2023-03-09. Review status: criteria provided, single submitter. Criteria: ACMG Guidelines, 2015. Collection method: clinical testing. Allele origin: germline. Affected: yes.
Comment: PVS1, PM2